The following is an entry in ClinVar:

NM_000038.6(APC):c.6695A>C (p.His2232Pro)

Gene: APC (APC regulator of Wnt signaling pathway; plus strand). Cytogenetic location: 5q22.2.
Variant type: single nucleotide variant.
Coding change: c.6695A>C on transcript NM_000038.6 (MANE Select); coding-DNA position 6695, A replaced by C.
Protein change: p.His2232Pro; replaces histidine 2232 with proline.
Molecular consequence: missense variant.
Genome position (GRCh38, 1-based): chr5:112,842,289, A>C. VCF-style: chr5-112842289-A-C. GRCh37 (hg19) VCF-style: chr5-112177986-A-C.
Other names: c.6695A>C, p.His2232Pro (NM_001127510.3, NM_001354895.2, NM_001407450.1); c.6641A>C, p.His2214Pro (NM_001127511.3); c.6749A>C, p.His2250Pro (NM_001354896.2, NM_001407447.1, NM_001407448.1 and 1 more transcripts); c.6725A>C, p.His2242Pro (NM_001354897.2); c.6620A>C, p.His2207Pro (NM_001354898.2); c.6611A>C, p.His2204Pro (NM_001354899.2); c.6572A>C, p.His2191Pro (NM_001354900.2); c.6518A>C, p.His2173Pro (NM_001354901.2, NM_001407453.1); and 11 more; short protein forms H1848P, H2103P, H2106P, H2131P, H2141P, H2204P, H2225P, H2250P.
Identifiers: ClinVar variation 1754926 (VCV001754926.2), dbSNP rs2149970909, ClinGen allele CA16035966.

ClinVar aggregate classification (germline): Uncertain significance (1 of 4 stars; one submission).

Conditions:
Hereditary cancer-predisposing syndrome. Also called: Neoplastic Syndromes, Hereditary; Tumor predisposition; Hereditary Cancer Syndrome; Hereditary neoplastic syndrome. Identifiers: Orphanet 140162, MedGen C0027672, MeSH D009386, MONDO:0015356.

Submission:

Ambry Genetics
Classification: Uncertain significance for Hereditary cancer-predisposing syndrome. Last evaluated: 2021-02-26. Review status: criteria provided, single submitter. Criteria: Ambry Variant Classification Scheme 2023. Collection method: clinical testing. Allele origin: germline.
Comment: The p.H2232P variant (also known as c.6695A>C), located in coding exon 15 of the APC gene, results from an A to C substitution at nucleotide position 6695. The histidine at codon 2232 is replaced by proline, an amino acid with similar properties. This amino acid position is well conserved in available vertebrate species. In addition, in silico predictors for this gene do not accurately predict pathogenicity. Since supporting evidence is limited at this time, the clinical significance of this alteration remains unclear.